The following is an entry in ClinVar:

ClinVar aggregate classification (germline): Uncertain significance (1 of 4 stars; one submission).

Submission:

GeneDx
Classification: Uncertain significance. Last evaluated: 2024-04-17. Review status: criteria provided, single submitter. Criteria: GeneDx Variant Classification Process June 2021. Collection method: clinical testing. Allele origin: germline. Affected: yes.
Comment: Not observed at significant frequency in large population cohorts (gnomAD); In silico analysis indicates that this missense variant does not alter protein structure/function; Has not been previously published as pathogenic or benign to our knowledge; This variant is associated with the following publications: (PMID: 11781872, 29230096, 10394936, 7655462, 23348274)

NM_000141.5(FGFR2):c.799T>A (p.Ser267Thr)

Gene: FGFR2 (fibroblast growth factor receptor 2; minus strand). Cytogenetic location: 10q26.13.
Variant type: single nucleotide variant.
Coding change: c.799T>A on transcript NM_000141.5 (MANE Select); coding-DNA position 799, T replaced by A.
Protein change: p.Ser267Thr; replaces serine 267 with threonine.
Molecular consequence: missense variant. On other transcripts: non-coding transcript variant (1), intron variant (1).
Genome position (GRCh38, 1-based): chr10:121,520,119, A>T on the plus strand (T>A on the coding strand, the complement: FGFR2 is on the minus strand). VCF-style: chr10-121520119-A-T. GRCh37 (hg19) VCF-style: chr10-123279633-A-T.
Other names: c.799T>A, p.Ser267Thr (NM_001144913.1, NM_001144917.2, NM_001320658.2 and 1 more transcripts); c.532T>A, p.Ser178Thr (NM_001144915.2, NM_001144919.2, NM_023029.3); c.454T>A, p.Ser152Thr (NM_001144916.2, NM_001144918.2); c.115T>A, p.Ser39Thr (NM_001320654.2); c.749-4800T>A (NM_001144914.1); short protein forms S152T, S178T, S267T, S39T.
Identifiers: ClinVar variation 3372370 (VCV003372370.1).
Genomic context (GRCh38, chr10:121,520,119, plus strand): 5'-GGGGCTGGGCATCACTGTAAACCTTGCAGACAAACTCTACGTCTCCTCCGACCACTGTGG[A>T]GGCATTTGCCGGCAGTCCGGCTTGGAGGATGGGCCGGTGAGGCGATCGCTCTGGTGGAGA-3'
Protein context (NP_000132.3, residues 257-277): ILQAGLPANA[Ser267Thr]TVVGGDVEFV